The following is an entry in ClinVar:

ClinVar aggregate classification (germline): Benign (1 of 4 stars; one submission).

Conditions:
Biotin-responsive basal ganglia disease (BTBGD). Also called: Thiamine Transporter-2 Deficiency; THIAMINE METABOLISM DYSFUNCTION SYNDROME 2 (BIOTIN- AND THIAMINE-RESPONSIVE TYPE); Thiamine metabolism dysfunction syndrome type 2; Thiamine metabolism dysfunction syndrome 2 (biotin- or thiamine-responsive encephalopathy type 2); thiamine-responsive encephalopathy. Identifiers: Orphanet 199348, Orphanet 65284, MedGen C1843807, MONDO:0011841, OMIM 607483.

Allele frequency attached by ClinVar (database versions not stated): gnomAD exomes 0.01111; gnomAD 0.03297 and 0.03534; TOPMed 0.03610; 1000 Genomes Project 0.03974; 1000 Genomes Project 30x 0.04482.
gnomAD v4.1: 4,967 of 152,338 alleles (3.3%); highest among the groups gnomAD compares: African/African-American, 11%; 289 homozygotes.

Submission:

Illumina Laboratory Services, Illumina
Classification: Benign for Biotin-responsive basal ganglia disease. Last evaluated: 2018-01-13. Review status: criteria provided, single submitter. Criteria: ICSL Variant Classification Criteria 13 December 2019. Collection method: clinical testing. Allele origin: germline.
Comment: This variant was observed in the ICSL laboratory as part of a predisposition screen in an ostensibly healthy population. It had not been previously curated by ICSL or reported in the Human Gene Mutation Database (HGMD: prior to June 1st, 2018), and was therefore a candidate for classification through an automated scoring system. Utilizing variant allele frequency, disease prevalence and penetrance estimates, and inheritance mode, an automated score was calculated to assess if this variant is too frequent to cause the disease. Based on the score and internal cut-off values, a variant classified as benign is not then subjected to further curation. The score for this variant resulted in a classification of benign for this disease.

NM_025243.4(SLC19A3):c.*2104T>C

Gene: SLC19A3 (solute carrier family 19 member 3; minus strand). Cytogenetic location: 2q36.3.
Variant type: single nucleotide variant.
Coding change: c.*2104T>C on transcript NM_025243.4 (MANE Select); 2104 bases downstream of the stop codon, T replaced by C.
Molecular consequence: 3 prime UTR variant.
Genome position (GRCh38, 1-based): chr2:227,685,293, A>G on the plus strand (T>C on the coding strand, the complement: SLC19A3 is on the minus strand). VCF-style: chr2-227685293-A-G. GRCh37 (hg19) VCF-style: chr2-228550009-A-G.
Identifiers: ClinVar variation 334835 (VCV000334835.5), dbSNP rs1055957, ClinGen allele CA10614718.